The following is an entry in ClinVar:

NM_153704.6(TMEM67):c.2932G>A (p.Val978Ile)

Gene: TMEM67 (transmembrane protein 67; plus strand). Cytogenetic location: 8q22.1.
Variant type: single nucleotide variant.
Coding change: c.2932G>A on transcript NM_153704.6 (MANE Select); coding-DNA position 2932, G replaced by A.
Protein change: p.Val978Ile; replaces valine 978 with isoleucine.
Molecular consequence: missense variant. On other transcripts: non-coding transcript variant (1).
Genome position (GRCh38, 1-based): chr8:93,816,396, G>A. VCF-style: chr8-93816396-G-A. GRCh37 (hg19) VCF-style: chr8-94828624-G-A.
Other names: c.2689G>A, p.Val897Ile (NM_001142301.1); c.2932G>A (NM_153704.5); short protein forms V978I, V897I.
Identifiers: ClinVar variation 1368396 (VCV001368396.5), dbSNP rs371965185, ClinGen allele CA4808436.

ClinVar aggregate classification (germline): Uncertain significance. Review status: criteria provided, multiple submitters, no conflicts (2 of 4 stars). 3 submissions from 3 submitters: Uncertain significance (3). Last evaluated 2026-09-02.

Conditions:
Inborn genetic diseases. Identifiers: MedGen C0950123, MeSH D030342.
TMEM67-related disorder. Also called: TMEM67-related disorders; TMEM67-related condition. Identifiers: MedGen CN239423.
Joubert syndrome. Also called: Familial aplasia of the vermis; JOUBERT-BOLTSHAUSER SYNDROME. Identifiers: Orphanet 475, MedGen C5979921, MONDO:0018772.
Meckel-Gruber syndrome. Also called: Dysencephalia splachnocystica; GRUBER SYNDROME; DYSENCEPHALIA SPLANCHNOCYSTICA. Identifiers: Orphanet 564, MedGen C0265215, MONDO:0018921.

Allele frequency attached by ClinVar (database versions not stated): gnomAD exomes below 0.00001 and 0.00001; ExAC 0.00002; gnomAD 0.00003 and 0.00004; ESP Exome Variant Server 0.00008; TOPMed 0.00008.
gnomAD v4.1: 10 of 1,585,322 alleles (0.00063%); highest among the groups gnomAD compares: African/African-American, 0.011%; no homozygotes.

Submissions (3):

PreventionGenetics, part of Exact Sciences
Classification: Uncertain significance for TMEM67-related condition. Last evaluated: 2026-09-02. Review status: criteria provided, single submitter. Criteria: ACMG Guidelines, 2015. Collection method: clinical testing. Allele origin: germline.
Comment: The TMEM67 c.2932G>A variant is predicted to result in the amino acid substitution p.Val978Ile. To our knowledge, this variant has not been reported in the literature. This variant is reported in 0.019% of alleles in individuals of African descent in gnomAD. At this time, the clinical significance of this variant is uncertain due to the absence of conclusive functional and genetic evidence.

Ambry Genetics
Classification: Uncertain significance for Inborn genetic diseases. Last evaluated: 2023-12-18. Review status: criteria provided, single submitter. Criteria: Ambry Variant Classification Scheme 2023. Collection method: clinical testing. Allele origin: germline.

Labcorp Genetics (formerly Invitae), Labcorp
Classification: Uncertain significance for Joubert syndrome; Meckel-Gruber syndrome. Last evaluated: 2022-08-23. Review status: criteria provided, single submitter. Criteria: Invitae Variant Classification Sherloc (09022015). Collection method: clinical testing. Allele origin: germline.
Comment: This sequence change replaces valine, which is neutral and non-polar, with isoleucine, which is neutral and non-polar, at codon 978 of the TMEM67 protein (p.Val978Ile). This variant is present in population databases (rs371965185, gnomAD 0.01%). This variant has not been reported in the literature in individuals affected with TMEM67-related conditions. ClinVar contains an entry for this variant (Variation ID: 1368396). Advanced modeling of protein sequence and biophysical properties (such as structural, functional, and spatial information, amino acid conservation, physicochemical variation, residue mobility, and thermodynamic stability) performed at Invitae indicates that this missense variant is not expected to disrupt TMEM67 protein function. In summary, the available evidence is currently insufficient to determine the role of this variant in disease. Therefore, it has been classified as a Variant of Uncertain Significance.